The following is an entry in ClinVar:

ClinVar aggregate classification (germline): Uncertain significance. Review status: criteria provided, multiple submitters, no conflicts (2 of 4 stars). 2 submissions from 2 submitters: Uncertain significance (2). Last evaluated 2023-06-07.

Conditions:
Early-infantile DEE. Also called: Ohtahara syndrome; Early infantile epileptic encephalopathy with suppression bursts; Early infantile epileptic encephalopathy. Identifiers: Orphanet 1934, MedGen C0393706, MONDO:0800491.
Inborn genetic diseases. Identifiers: MedGen C0950123, MeSH D030342.

Allele frequency attached by ClinVar (database versions not stated): TOPMed below 0.00001.

Submissions (2):

Ambry Genetics
Classification: Uncertain significance for Inborn genetic diseases. Last evaluated: 2023-06-07. Review status: criteria provided, single submitter. Criteria: Ambry Variant Classification Scheme 2023. Collection method: clinical testing. Allele origin: germline.

Labcorp Genetics (formerly Invitae), Labcorp
Classification: Uncertain significance for Early-infantile DEE. Last evaluated: 2022-01-11. Review status: criteria provided, single submitter. Criteria: Invitae Variant Classification Sherloc (09022015). Collection method: clinical testing. Allele origin: germline.
Comment: This sequence change replaces phenylalanine, which is neutral and non-polar, with leucine, which is neutral and non-polar, at codon 975 of the CACNA2D2 protein (p.Phe975Leu). In summary, the available evidence is currently insufficient to determine the role of this variant in disease. Therefore, it has been classified as a Variant of Uncertain Significance. Algorithms developed to predict the effect of missense changes on protein structure and function output the following: SIFT: "Tolerated"; PolyPhen-2: "Benign"; Align-GVGD: "Class C0". The leucine amino acid residue is found in multiple mammalian species, which suggests that this missense change does not adversely affect protein function. ClinVar contains an entry for this variant (Variation ID: 838449). This variant has not been reported in the literature in individuals affected with CACNA2D2-related conditions. This variant is not present in population databases (gnomAD no frequency).

NM_006030.4(CACNA2D2):c.2925C>A (p.Phe975Leu)

Genes: CACNA2D2 (calcium voltage-gated channel auxiliary subunit alpha2delta 2; minus strand), LOC101928965 (uncharacterized LOC101928965; plus strand), LOC127898564 (CYB561D2-LOC101928965; plus strand). Cytogenetic location: 3p21.31.
Variant type: single nucleotide variant.
Coding change: c.2925C>A on transcript NM_006030.4 (MANE Select); coding-DNA position 2925, C replaced by A.
Protein change: p.Phe975Leu; replaces phenylalanine 975 with leucine.
Molecular consequence: missense variant. On other transcripts: non-coding transcript variant (2).
Genome position (GRCh38, 1-based): chr3:50,365,679, G>T on the plus strand (C>A on the coding strand, the complement: CACNA2D2 is on the minus strand). VCF-style: chr3-50365679-G-T. GRCh37 (hg19) VCF-style: chr3-50403110-G-T.
Other names: c.2946C>A (NM_001174051.1); c.2925C>A, p.Phe975Leu (NM_001005505.3); c.2946C>A, p.Phe982Leu (NM_001174051.3); c.2718C>A, p.Phe906Leu (NM_001291101.1); short protein forms F906L, F975L, F982L.
Identifiers: ClinVar variation 838449 (VCV000838449.10), dbSNP rs765246095, ClinGen allele CA352902644.